The following is an entry in ClinVar:

NM_007254.4(PNKP):c.1048G>C (p.Gly350Arg)

Gene: PNKP (polynucleotide kinase 3'-phosphatase; minus strand). Cytogenetic location: 19q13.33.
Variant type: single nucleotide variant.
Coding change: c.1048G>C on transcript NM_007254.4 (MANE Select); coding-DNA position 1048, G replaced by C.
Protein change: p.Gly350Arg; replaces glycine 350 with arginine.
Molecular consequence: missense variant.
Genome position (GRCh38, 1-based): chr19:49,862,263, C>G on the plus strand (G>C on the coding strand, the complement: PNKP is on the minus strand). VCF-style: chr19-49862263-C-G. GRCh37 (hg19) VCF-style: chr19-50365520-C-G.
Other names: p.Gly350Arg; short protein forms G350R.
Identifiers: ClinVar variation 589244 (VCV000589244.13), dbSNP rs750098786, ClinGen allele CA9586634.

ClinVar aggregate classification (germline): Uncertain significance. Review status: criteria provided, multiple submitters, no conflicts (2 of 4 stars). 3 submissions from 3 submitters: Uncertain significance (3). Last evaluated 2025-11-03.

Conditions:
Inborn genetic diseases. Identifiers: MedGen C0950123, MeSH D030342.
Developmental and epileptic encephalopathy, 12 (DEE12). Identifiers: MedGen C3150988, MONDO:0013389, OMIM 613722.

Allele frequency attached by ClinVar (database versions not stated): gnomAD 0.00001; gnomAD exomes 0.00002 and 0.00003; TOPMed 0.00002; ExAC 0.00004.
gnomAD v4.1: 12 of 1,603,978 alleles (0.00075%); highest among the groups gnomAD compares: Admixed American, 0.019%; no homozygotes.

Submissions (3):

Labcorp Genetics (formerly Invitae), Labcorp
Classification: Uncertain significance for Developmental and epileptic encephalopathy, 12. Last evaluated: 2025-11-03. Review status: criteria provided, single submitter. Criteria: Invitae Variant Classification Sherloc (09022015). Collection method: clinical testing. Allele origin: germline.
Comment: This sequence change replaces glycine, which is neutral and non-polar, with arginine, which is basic and polar, at codon 350 of the PNKP protein (p.Gly350Arg). This variant is present in population databases (rs750098786, gnomAD 0.03%). This variant has not been reported in the literature in individuals affected with PNKP-related conditions. ClinVar contains an entry for this variant (Variation ID: 589244). Invitae Evidence Modeling of protein sequence and biophysical properties (such as structural, functional, and spatial information, amino acid conservation, physicochemical variation, residue mobility, and thermodynamic stability) indicates that this missense variant is not expected to disrupt PNKP protein function with a negative predictive value of 80%. Algorithms developed to predict the effect of sequence changes on RNA splicing suggest that this variant may create or strengthen a splice site. In summary, the available evidence is currently insufficient to determine the role of this variant in disease. Therefore, it has been classified as a Variant of Uncertain Significance.

Mayo Clinic Laboratories, Mayo Clinic
Classification: Uncertain significance. Last evaluated: 2025-09-23. Review status: criteria provided, single submitter. Criteria: ACMG Guidelines, 2015. Collection method: clinical testing. Allele origin: germline. Observed: 2 variant alleles.
Comment: BP4

Ambry Genetics
Classification: Uncertain significance for Inborn genetic diseases. Last evaluated: 2018-02-14. Review status: criteria provided, single submitter. Criteria: Ambry Variant Classification Scheme 2023. Collection method: clinical testing. Allele origin: germline.
Comment: The p.G350R variant (also known as c.1048G>C), located in coding exon 11 of the PNKP gene, results from a G to C substitution at nucleotide position 1048. The glycine at codon 350 is replaced by arginine, an amino acid with dissimilar properties. This amino acid position is well conserved in available vertebrate species. In addition, this alteration is predicted to be tolerated by in silico analysis. Since supporting evidence is limited at this time, the clinical significance of this alteration remains unclear.